The following is an entry in ClinVar:

NM_020433.5(JPH2):c.918C>A (p.Ser306Arg)

Gene: JPH2 (junctophilin 2; minus strand). Cytogenetic location: 20q13.12.
Variant type: single nucleotide variant.
Coding change: c.918C>A on transcript NM_020433.5 (MANE Select); coding-DNA position 918, C replaced by A.
Protein change: p.Ser306Arg; replaces serine 306 with arginine.
Molecular consequence: missense variant.
Genome position (GRCh38, 1-based): chr20:44,159,869, G>T on the plus strand (C>A on the coding strand, the complement: JPH2 is on the minus strand). VCF-style: chr20-44159869-G-T. GRCh37 (hg19) VCF-style: chr20-42788509-G-T.
Other names: short protein forms S306R.
Identifiers: ClinVar variation 3287234 (VCV003287234.2).
Genomic context (GRCh38, chr20:44,159,869, plus strand): 5'-ATAGCCGTGGCGCAGGTTGTCCAGCCACTCGCCCTCGTAGCGGAGGCCACTGGAGCGTTC[G>T]CTCACGCCGAAGCCCGAGCGTTTGTCGTTCTTCCACTCGCCCATGTAGGTCTCGGTGGTG-3'
Protein context (NP_065166.2, residues 296-316): KNDKRSGFGV[Ser306Arg]ERSSGLRYEG

ClinVar aggregate classification (germline): Uncertain significance. Review status: criteria provided, multiple submitters, no conflicts (2 of 4 stars). 2 submissions from 2 submitters: Uncertain significance (2). Last evaluated 2025-01-06.

Conditions:
Cardiovascular phenotype. Identifiers: MedGen CN230736.

gnomAD v4.1: 1 of 1,613,300 alleles (0.000062%); highest among the groups gnomAD compares: Admixed American, 0.0017%; no homozygotes.

Submissions (2):

GeneDx
Classification: Uncertain significance. Last evaluated: 2025-01-06. Review status: criteria provided, single submitter. Criteria: GeneDx Variant Classification Process June 2021. Collection method: clinical testing. Allele origin: germline. Affected: yes.
Comment: Not observed at significant frequency in large population cohorts (gnomAD); In silico analysis supports that this missense variant has a deleterious effect on protein structure/function; Has not been previously published as pathogenic or benign to our knowledge

Ambry Genetics
Classification: Uncertain significance for Cardiovascular phenotype. Last evaluated: 2024-05-25. Review status: criteria provided, single submitter. Criteria: Ambry Variant Classification Scheme 2023. Collection method: clinical testing. Allele origin: germline.
Comment: The p.S306R variant (also known as c.918C>A), located in coding exon 2 of the JPH2 gene, results from a C to A substitution at nucleotide position 918. The serine at codon 306 is replaced by arginine, an amino acid with dissimilar properties. This amino acid position is conserved. In addition, the in silico prediction for this alteration is inconclusive. Based on the available evidence, the clinical significance of this variant remains unclear.